The following is an entry in ClinVar:

ClinVar aggregate classification (germline): Likely benign (0 of 4 stars; one submission).

Conditions:
HERC1-related disorder. Also called: HERC1-related condition.

Allele frequency attached by ClinVar (database versions not stated): ExAC 0.00005.
gnomAD v4.1: 32 of 1,613,636 alleles (0.002%); highest among the groups gnomAD compares: South Asian, 0.014%; no homozygotes.

Submission:

PreventionGenetics, part of Exact Sciences
Classification: Likely benign for HERC1-related condition. Last evaluated: 2019-07-18. Review status: no assertion criteria provided. Collection method: clinical testing. Allele origin: germline.
Comment: This variant is classified as likely benign based on ACMG/AMP sequence variant interpretation guidelines (Richards et al. 2015 PMID: 25741868, with internal and published modifications).

NM_003922.4(HERC1):c.10989A>G (p.Leu3663=)

Gene: HERC1 (HECT and RLD domain containing E3 ubiquitin protein ligase family member 1; minus strand). Cytogenetic location: 15q22.31.
Variant type: single nucleotide variant.
Coding change: c.10989A>G on transcript NM_003922.4 (MANE Select); coding-DNA position 10989, A replaced by G.
Protein change: p.Leu3663=; no amino-acid change (leucine 3663 retained).
Molecular consequence: synonymous variant.
Genome position (GRCh38, 1-based): chr15:63,645,572, T>C on the plus strand (A>G on the coding strand, the complement: HERC1 is on the minus strand). VCF-style: chr15-63645572-T-C. GRCh37 (hg19) VCF-style: chr15-63937771-T-C.
Identifiers: ClinVar variation 3049621 (VCV003049621.2), dbSNP rs12148246, ClinGen allele CA7604343.